The following is an entry in ClinVar:

ClinVar aggregate classification (germline): Uncertain significance (1 of 4 stars; one submission).

Submission:

Labcorp Genetics (formerly Invitae), Labcorp
Classification: Uncertain significance. Last evaluated: 2024-12-09. Review status: criteria provided, single submitter. Criteria: Invitae Variant Classification Sherloc (09022015). Collection method: clinical testing. Allele origin: germline.
Comment: This sequence change replaces isoleucine, which is neutral and non-polar, with phenylalanine, which is neutral and non-polar, at codon 86 of the TBX20 protein (p.Ile86Phe). This variant is not present in population databases (gnomAD no frequency). This variant has not been reported in the literature in individuals affected with TBX20-related conditions. Invitae Evidence Modeling of protein sequence and biophysical properties (such as structural, functional, and spatial information, amino acid conservation, physicochemical variation, residue mobility, and thermodynamic stability) indicates that this missense variant is not expected to disrupt TBX20 protein function with a negative predictive value of 80%. In summary, the available evidence is currently insufficient to determine the role of this variant in disease. Therefore, it has been classified as a Variant of Uncertain Significance.

NM_001077653.2(TBX20):c.256A>T (p.Ile86Phe)

Gene: TBX20 (T-box transcription factor 20; minus strand). Cytogenetic location: 7p14.2.
Variant type: single nucleotide variant.
Coding change: c.256A>T on transcript NM_001077653.2 (MANE Select); coding-DNA position 256, A replaced by T.
Protein change: p.Ile86Phe; replaces isoleucine 86 with phenylalanine.
Molecular consequence: missense variant.
Genome position (GRCh38, 1-based): chr7:35,250,075, T>A on the plus strand (A>T on the coding strand, the complement: TBX20 is on the minus strand). VCF-style: chr7-35250075-T-A. GRCh37 (hg19) VCF-style: chr7-35289687-T-A.
Other names: c.256A>T, p.Ile86Phe (NM_001166220.1); short protein forms I86F.
Identifiers: ClinVar variation 3689169 (VCV003689169.2).
Genomic context (GRCh38, chr7:35,250,075, plus strand): 5'-TCTCCAGGCTGCAGGCAATTTTGGCCATTTCCTCACTGGGGATGATGGGGGTGGTGGGGA[T>A]CAGTGGCTCAGTGCACAGAGAGGAGGAGGACGGGCTGCTGCCACTGCCTCCACCAAACTC-3'
Protein context (NP_001071121.1, residues 76-96): SSSSLCTEPL[Ile86Phe]PTTPIIPSEE